The following is an entry in ClinVar:

NM_000255.4(MMUT):c.610GAA[1] (p.Glu205del)

Gene: MMUT (methylmalonyl-CoA mutase; minus strand). Cytogenetic location: 6p12.3.
Variant type: Microsatellite.
Coding change: c.610GAA[1] on transcript NM_000255.4 (MANE Select); one copy of the 3-base unit GAA starting at c.610; the reference has two copies in a row; one copy, 3 bases deleted.
Protein change: p.Glu205del; deletes glutamic acid 205.
Molecular consequence: inframe deletion.
Genome position (GRCh38, 1-based): chr6:49,457,829-49,457,831, TTC deleted on the plus strand (GAA on the coding strand, the reverse complement: MMUT is on the minus strand); deleting any 3 consecutive bases within chr6:49,457,829-49,457,835 gives the same sequence; the position shown is the placement nearest the transcript's 3' end. VCF-style (leftmost placement, unchanged base first): chr6-49457828-GTTC-G. GRCh37 (hg19) VCF-style: chr6-49425541-GTTC-G.
Other names: short protein forms E205del.
Identifiers: ClinVar variation 222916 (VCV000222916.3), dbSNP rs879253831, ClinGen allele CA10575880.

ClinVar aggregate classification (germline): Pathogenic/Likely pathogenic. Review status: criteria provided, multiple submitters, no conflicts (2 of 4 stars). 2 submissions from 2 submitters: Pathogenic (1); Likely pathogenic (1). Last evaluated 2025-08-15.

Conditions:
Methylmalonic aciduria due to methylmalonyl-CoA mutase deficiency (MAMM). Also called: Methylmalonic aciduria, mut type. Identifiers: Orphanet 27, MedGen C1855114, MONDO:0009612, OMIM 251000.
Methylmalonic aciduria due to complete methylmalonyl-CoA mutase deficiency.

Submissions (2):

Natera, Inc.
Classification: Likely pathogenic for Methylmalonic aciduria due to complete methylmalonyl-CoA mutase deficiency. Last evaluated: 2025-08-15. Review status: criteria provided, single submitter. Criteria: Natera Variant Classification Schema (03/2026). Collection method: clinical testing. Allele origin: germline.
Comment: The c.613_615del variant in MMUT is an in-frame deletion predicted to remove glutamic acid at amino acid 205 while preserving the reading frame. This variant is rare in the general population with a frequency below the threshold expected for the associated phenotype(s). This variant has been observed in one or more individuals affected with the associated recessive disease, as either homozygous or compound heterozygous with a second variant (PMID: 27167370). This variant results in a change to the protein length while preserving reading frame, which may disrupt normal protein structure or function. Computational prediction algorithms indicate this variant is likely to affect gene or protein function. Given the available evidence, this variant is classified as Likely Pathogenic.

University Children's Hospital, University of Zurich
Classification: Pathogenic for Methylmalonic aciduria due to methylmalonyl-CoA mutase deficiency. Review status: criteria provided, single submitter. Criteria: Forny et al. (Hum Mutat. 2016). Collection method: clinical testing. Allele origin: germline. Inheritance: Autosomal recessive inheritance. Affected: yes.

Literature cited by the submitters: PubMed 27167370 (cited by Natera, Inc.); PubMed 25736335 (cited by University Children's Hospital, University of Zurich).